The following is an entry in ClinVar:

ClinVar aggregate classification (germline): Uncertain significance (1 of 4 stars; one submission).

Conditions:
Cowden syndrome 5 (CWS5). Identifiers: Orphanet 201, MedGen C3554518, MONDO:0014047, OMIM 615108.

Submission:

HudsonAlpha Institute for Biotechnology
Classification: Uncertain significance for Cowden syndrome 5. Last evaluated: 2021-03-29. Review status: criteria provided, single submitter. Criteria: ACMG Guidelines, 2015. Collection method: research. Allele origin: de novo. Observed: 1 variant allele. Study: HudsonAlpha-AGHI-WGS.
Comment: ACMG codes:PM2, PP2, PP3

NM_006218.4(PIK3CA):c.320A>G (p.Asn107Ser)

Gene: PIK3CA (phosphatidylinositol-4,5-bisphosphate 3-kinase catalytic subunit alpha; plus strand). Cytogenetic location: 3q26.32.
Variant type: single nucleotide variant.
Coding change: c.320A>G on transcript NM_006218.4 (MANE Select); coding-DNA position 320, A replaced by G.
Protein change: p.Asn107Ser; replaces asparagine 107 with serine.
Molecular consequence: missense variant.
Genome position (GRCh38, 1-based): chr3:179,199,145, A>G. VCF-style: chr3-179199145-A-G. GRCh37 (hg19) VCF-style: chr3-178916933-A-G.
Other names: short protein forms N107S.
Identifiers: ClinVar variation 1251941 (VCV001251941.1), dbSNP rs2108386309, ClinGen allele CA355272683.
Genomic context (GRCh38, chr3:179,199,145, plus strand): 5'-GACGACTTTGTGACCTTCGGCTTTTTCAACCCTTTTTAAAAGTAATTGAACCAGTAGGCA[A>G]CCGTGAAGAAAAGATCCTCAATCGAGAAATTGGTATGATACAATATCCTATTCTAAAATG-3'
Protein context (NP_006209.2, residues 97-117): PFLKVIEPVG[Asn107Ser]REEKILNREI